The following is an entry in ClinVar:

ClinVar aggregate classification (germline): Likely benign. Review status: criteria provided, multiple submitters, no conflicts (2 of 4 stars). 3 submissions from 3 submitters: Likely benign (3). Last evaluated 2026-01-21.

Conditions:
Congenital myopathy with internal nuclei and atypical cores. Also called: Myopathy, centronuclear, 4. Identifiers: Orphanet 319160, MedGen C4707232, MONDO:0013890, OMIM 614807.
CCDC78-related disorder. Also called: CCDC78-related condition.

Allele frequency attached by ClinVar (database versions not stated): ExAC 0.00003; gnomAD 0.00003.
gnomAD v4.1: 121 of 1,612,508 alleles (0.0075%); highest among the groups gnomAD compares: East Asian, 0.011%; no homozygotes.

Submissions (3):

Labcorp Genetics (formerly Invitae), Labcorp
Classification: Likely benign for Congenital myopathy with internal nuclei and atypical cores. Last evaluated: 2026-01-21. Review status: criteria provided, single submitter. Criteria: Invitae Variant Classification Sherloc (09022015). Collection method: clinical testing. Allele origin: germline.

PreventionGenetics, part of Exact Sciences
Classification: Likely benign for CCDC78-related condition. Last evaluated: 2026-01-12. Review status: criteria provided, single submitter. Criteria: ACMG Guidelines, 2015. Collection method: clinical testing. Allele origin: germline.
Comment: This variant is classified as likely benign based on ACMG/AMP sequence variant interpretation guidelines (Richards et al. 2015 PMID: 25741868, with internal and published modifications).

Blueprint Genetics
Classification: Likely benign. Last evaluated: 2023-06-30. Review status: criteria provided, single submitter. Criteria: ACMG Guidelines, 2015. Collection method: clinical testing. Allele origin: germline.

NM_001378030.1(CCDC78):c.1312G>A (p.Glu438Lys)

Gene: CCDC78 (coiled-coil domain containing 78; minus strand). Cytogenetic location: 16p13.3.
Variant type: single nucleotide variant.
Coding change: c.1312G>A on transcript NM_001378030.1 (MANE Select); coding-DNA position 1312, G replaced by A.
Protein change: p.Glu438Lys; replaces glutamic acid 438 with lysine.
Molecular consequence: missense variant. On other transcripts: synonymous variant (1), non-coding transcript variant (5).
Genome position (GRCh38, 1-based): chr16:722,779, C>T on the plus strand (G>A on the coding strand, the complement: CCDC78 is on the minus strand). VCF-style: chr16-722779-C-T. GRCh37 (hg19) VCF-style: chr16-772779-C-T.
Other names: c.1308G>A, p.Thr436= (NM_001031737.3); c.1132G>A, p.Glu378Lys (NM_001378031.1); c.745G>A, p.Glu249Lys (NM_001378033.1); c.1308G>A (NM_001031737.2); short protein forms E378K, E438K, E249K.
Identifiers: ClinVar variation 2058397 (VCV002058397.6), dbSNP rs765383192, ClinGen allele CA7789055.